The following is an entry in ClinVar:

ClinVar aggregate classification (germline): Uncertain significance (1 of 4 stars; one submission).

Conditions:
MHC class I deficiency. Identifiers: Orphanet 34592, MedGen C6024714, MONDO:0011476.

Allele frequency attached by ClinVar (database versions not stated): ExAC 0.00001; gnomAD 0.00001; TOPMed 0.00003; ESP Exome Variant Server 0.00012.

Submission:

Labcorp Genetics (formerly Invitae), Labcorp
Classification: Uncertain significance for MHC class I deficiency 1. Last evaluated: 2022-05-15. Review status: criteria provided, single submitter. Criteria: Invitae Variant Classification Sherloc (09022015). Collection method: clinical testing. Allele origin: germline.
Comment: This variant has not been reported in the literature in individuals affected with TAP2-related conditions. Algorithms developed to predict the effect of missense changes on protein structure and function are either unavailable or do not agree on the potential impact of this missense change (SIFT: "Deleterious"; PolyPhen-2: "Not Available"; Align-GVGD: "Class C0"). In summary, the available evidence is currently insufficient to determine the role of this variant in disease. Therefore, it has been classified as a Variant of Uncertain Significance. This variant is present in population databases (rs142700843, gnomAD 0.004%). This sequence change replaces arginine, which is basic and polar, with tryptophan, which is neutral and slightly polar, at codon 224 of the TAP2 protein (p.Arg224Trp).

NM_001290043.2(TAP2):c.670C>T (p.Arg224Trp)

Genes: TAP2 (transporter 2, ATP binding cassette subfamily B member; minus strand), LOC107648851 (meiotic recombination hotspot TAP2; plus strand). Cytogenetic location: 6p21.32.
Variant type: single nucleotide variant.
Coding change: c.670C>T on transcript NM_001290043.2 (MANE Select); coding-DNA position 670, C replaced by T.
Protein change: p.Arg224Trp; replaces arginine 224 with tryptophan.
Molecular consequence: missense variant.
Genome position (GRCh38, 1-based): chr6:32,835,712, G>A on the plus strand (C>T on the coding strand, the complement: TAP2 is on the minus strand). VCF-style: chr6-32835712-G-A. GRCh37 (hg19) VCF-style: chr6-32803489-G-A.
Other names: c.670C>T, p.Arg224Trp (NM_000544.3, NM_018833.3); short protein forms R224W.
Identifiers: ClinVar variation 2066745 (VCV002066745.3), dbSNP rs142700843, ClinGen allele CA3746091.